The following is an entry in ClinVar:

ClinVar aggregate classification (germline): Uncertain significance (1 of 4 stars; one submission).

Conditions:
Intellectual disability, autosomal recessive 53 (NEDHSCA). Also called: GLYCOSYLPHOSPHATIDYLINOSITOL BIOSYNTHESIS DEFECT 13; Mental retardation, autosomal recessive 53; NEURODEVELOPMENTAL DISORDER WITH OR WITHOUT HYPOTONIA, SEIZURES, AND CEREBELLAR ATROPHY. Identifiers: Orphanet 488635, MedGen C4310794, MONDO:0014832, OMIM 616917.

Allele frequency attached by ClinVar (database versions not stated): gnomAD exomes below 0.00001; gnomAD 0.00001.
gnomAD v4.1: 2 of 1,613,808 alleles (0.00012%); highest among the groups gnomAD compares: African/African-American, 0.0027%; no homozygotes.

Submission:

Labcorp Genetics (formerly Invitae), Labcorp
Classification: Uncertain significance for Intellectual disability, autosomal recessive 53. Last evaluated: 2020-11-12. Review status: criteria provided, single submitter. Criteria: Invitae Variant Classification Sherloc (09022015). Collection method: clinical testing. Allele origin: germline.
Comment: This sequence change replaces lysine with isoleucine at codon 360 of the PIGG protein (p.Lys360Ile). The lysine residue is weakly conserved and there is a moderate physicochemical difference between lysine and isoleucine. This variant is not present in population databases (ExAC no frequency). This variant has not been reported in the literature in individuals with PIGG-related conditions. Algorithms developed to predict the effect of missense changes on protein structure and function (SIFT, PolyPhen-2, Align-GVGD) all suggest that this variant is likely to be tolerated, but these predictions have not been confirmed by published functional studies and their clinical significance is uncertain. In summary, the available evidence is currently insufficient to determine the role of this variant in disease. Therefore, it has been classified as a Variant of Uncertain Significance.

NM_001127178.3(PIGG):c.1079A>T (p.Lys360Ile)

Gene: PIGG (phosphatidylinositol glycan anchor biosynthesis class G (EMM blood group); plus strand). Cytogenetic location: 4p16.3.
Variant type: single nucleotide variant.
Coding change: c.1079A>T on transcript NM_001127178.3 (MANE Select); coding-DNA position 1079, A replaced by T.
Protein change: p.Lys360Ile; replaces lysine 360 with isoleucine.
Molecular consequence: missense variant. On other transcripts: 5 prime UTR variant (3), non-coding transcript variant (10).
Genome position (GRCh38, 1-based): chr4:516,150, A>T. VCF-style: chr4-516150-A-T. GRCh37 (hg19) VCF-style: chr4-509939-A-T.
Other names: c.812A>T, p.Lys271Ile (NM_001289051.2, NM_001289053.2, NM_001289057.2 and 2 more transcripts); c.680A>T, p.Lys227Ile (NM_001289052.2); c.713A>T, p.Lys238Ile (NM_001289055.2); c.50A>T, p.Lys17Ile (NM_001345988.2); c.1079A>T, p.Lys360Ile (NM_001345989.2, NM_017733.5); c.-547A>T (NM_001345990.2); c.-409A>T (NM_001345991.2); c.-134A>T (NM_001345994.2); short protein forms K360I, K227I, K238I, K271I, K17I.
Identifiers: ClinVar variation 1468412 (VCV001468412.8), dbSNP rs1458865895, ClinGen allele CA355902256.